The following is an entry in ClinVar:

NM_001291303.3(FAT4):c.14842G>A (p.Val4948Ile)

Gene: FAT4 (FAT atypical cadherin 4; plus strand). Cytogenetic location: 4q28.1.
Variant type: single nucleotide variant.
Coding change: c.14842G>A on transcript NM_001291303.3 (MANE Select); coding-DNA position 14842, G replaced by A.
Protein change: p.Val4948Ile; replaces valine 4948 with isoleucine.
Molecular consequence: missense variant.
Genome position (GRCh38, 1-based): chr4:125,491,658, G>A. VCF-style: chr4-125491658-G-A. GRCh37 (hg19) VCF-style: chr4-126412813-G-A.
Other names: c.14839G>A, p.Val4947Ile (NM_001291285.3); c.14836G>A, p.Val4946Ile (NM_024582.6); short protein forms V4947I, V4946I, V4948I.
Identifiers: ClinVar variation 1446548 (VCV001446548.6), dbSNP rs748711864, ClinGen allele CA3074634.

ClinVar aggregate classification (germline): Uncertain significance (1 of 4 stars; one submission).

Allele frequency attached by ClinVar (database versions not stated): ExAC 0.00001.

Submission:

Labcorp Genetics (formerly Invitae), Labcorp
Classification: Uncertain significance. Last evaluated: 2021-11-23. Review status: criteria provided, single submitter. Criteria: Invitae Variant Classification Sherloc (09022015). Collection method: clinical testing. Allele origin: germline.
Comment: In summary, the available evidence is currently insufficient to determine the role of this variant in disease. Therefore, it has been classified as a Variant of Uncertain Significance. Algorithms developed to predict the effect of missense changes on protein structure and function (SIFT, PolyPhen-2, Align-GVGD) all suggest that this variant is likely to be disruptive. This variant has not been reported in the literature in individuals affected with FAT4-related conditions. This variant is present in population databases (rs748711864, gnomAD no frequency). This sequence change replaces valine, which is neutral and non-polar, with isoleucine, which is neutral and non-polar, at codon 4946 of the FAT4 protein (p.Val4946Ile).